The following is an entry in ClinVar:

NM_000368.5(TSC1):c.2059_2061delinsTAA (p.Glu687Ter)

Gene: TSC1 (TSC complex subunit 1; minus strand). Cytogenetic location: 9q34.13.
Variant type: Indel.
Coding change: c.2059_2061delinsTAA on transcript NM_000368.5 (MANE Select); coding-DNA positions 2059 to 2061, GAG replaced by TAA.
Protein change: p.Glu687Ter; replaces glutamic acid 687 with a stop codon.
Molecular consequence: nonsense. On other transcripts: non-coding transcript variant (4).
Genome position (GRCh38, 1-based): chr9:132,903,798-132,903,800, CTC replaced by TTA on the plus strand (GAG replaced by TAA on the coding strand, the reverse complement: TSC1 is on the minus strand). VCF-style: chr9-132903798-CTC-TTA. GRCh37 (hg19) VCF-style: chr9-135779185-CTC-TTA.
Other names: c.2056_2058delinsTAA, p.Glu686Ter (NM_001162426.2, NM_001406597.1, NM_001406598.1 and 4 more transcripts); c.1906_1908delinsTAA, p.Glu636Ter (NM_001162427.2, NM_001406610.1); c.1696_1698delinsTAA, p.Glu566Ter (NM_001362177.2, NM_001406614.1, NM_001406615.1 and 5 more transcripts); c.2059_2061delinsTAA, p.Glu687Ter (NM_001406592.1, NM_001406593.1, NM_001406594.1 and 5 more transcripts); c.2044_2046delinsTAA, p.Glu682Ter (NM_001406601.1, NM_001406602.1); c.2041_2043delinsTAA, p.Glu681Ter (NM_001406603.1, NM_001406604.1); c.1903_1905delinsTAA, p.Glu635Ter (NM_001406611.1, NM_001406612.1, NM_001406613.1); c.1693_1695delinsTAA, p.Glu565Ter (NM_001406620.1, NM_001406621.1, NM_001406622.1 and 2 more transcripts); and 3 more; short protein forms E369*, E636*, E336*, E370*, E566*, E635*, E681*, E687*.
Identifiers: ClinVar variation 5031237 (VCV005031237.1).

ClinVar aggregate classification (germline): Pathogenic (1 of 4 stars; one submission).

Conditions:
Hereditary cancer-predisposing syndrome. Also called: Neoplastic Syndromes, Hereditary; Tumor predisposition; Hereditary neoplastic syndrome; Hereditary Cancer Syndrome. Identifiers: Orphanet 140162, MedGen C0027672, MeSH D009386, MONDO:0015356.

Submission:

Ambry Genetics
Classification: Pathogenic for Hereditary cancer-predisposing syndrome. Last evaluated: 2026-07-20. Review status: criteria provided, single submitter. Criteria: Ambry Variant Classification Scheme 2023. Collection method: clinical testing. Allele origin: germline.
Comment: The c.2059_2061delGAGinsTAA pathogenic mutation (also known as p.E687*), located in coding exon 15 of the TSC1 gene, results from an in-frame deletion of GAG and insertion of TAA at nucleotide positions 2059 to 2061. This changes the amino acid from a glutamic acid to a stop codon within coding exon 6. This variant is considered to be rare based on population cohorts in the Genome Aggregation Database (gnomAD). This variant is expected to result in loss of function by premature protein truncation or nonsense-mediated mRNA decay. As such, this variant is interpreted as a disease-causing mutation.